The following is an entry in ClinVar:

ClinVar aggregate classification (germline): Pathogenic (1 of 4 stars; one submission).

Submission:

Labcorp Genetics (formerly Invitae), Labcorp
Classification: Pathogenic. Last evaluated: 2023-11-27. Review status: criteria provided, single submitter. Criteria: Invitae Variant Classification Sherloc (09022015). Collection method: clinical testing. Allele origin: unknown.
Comment: A gross deletion of the genomic region encompassing the full coding sequence of the IL1RAPL1 gene has been identified. Loss-of-function variants in IL1RAPL1 are known to be pathogenic (PMID: 18801879, 19012350, 25167861). The boundaries of this event are unknown as they extend beyond the assayed region for this gene and therefore may encompass additional genes. A similar copy number variant has been observed in individual(s) with clinical features of startle epilepsy (PMID: 24950661). For these reasons, this variant has been classified as Pathogenic.

Literature cited by the submitters: PubMed 18801879; PubMed 19012350; PubMed 25167861; PubMed 24950661.

NC_000023.10:g.(?_28807461)_(33229429_?)del

Genes: DMD (dystrophin; minus strand), FTHL17 (ferritin heavy chain like 17; minus strand), GK (glycerol kinase; plus strand), IL1RAPL1 (interleukin 1 receptor accessory protein like 1; plus strand), MAGEB1 (MAGE family member B1; plus strand) and 6 more. Cytogenetic location: Xp21.3-21.1.
Variant type: Deletion.
Identifiers: ClinVar variation 3246707 (VCV003246707.1).